The following is an entry in ClinVar:

NM_000888.5(ITGB6):c.140A>C (p.Glu47Ala)

Gene: ITGB6 (integrin subunit beta 6; minus strand). Cytogenetic location: 2q24.2.
Variant type: single nucleotide variant.
Coding change: c.140A>C on transcript NM_000888.5 (MANE Select); coding-DNA position 140, A replaced by C.
Protein change: p.Glu47Ala; replaces glutamic acid 47 with alanine.
Molecular consequence: missense variant. On other transcripts: synonymous variant (1), intron variant (3).
Genome position (GRCh38, 1-based): chr2:160,199,180, T>G on the plus strand (A>C on the coding strand, the complement: ITGB6 is on the minus strand). VCF-style: chr2-160199180-T-G. GRCh37 (hg19) VCF-style: chr2-161055691-T-G.
Other names: c.140A>C, p.Glu47Ala (NM_001282353.2, NM_001282355.2); c.94A>C, p.Arg32= (NM_001282389.2); c.61+823A>C (NM_001282354.2); c.-101+823A>C (NM_001282390.2); c.15+823A>C (NM_001282388.2); short protein forms E47A.
Identifiers: ClinVar variation 4978595 (VCV004978595.1).

ClinVar aggregate classification (germline): Uncertain significance (1 of 4 stars; one submission).

Conditions:
ITGB6-related disorder. Also called: ITGB6-related condition.

Submission:

PreventionGenetics, part of Exact Sciences
Classification: Uncertain significance for ITGB6-related condition. Last evaluated: 2026-04-14. Review status: criteria provided, single submitter. Criteria: ACMG Guidelines, 2015. Collection method: clinical testing. Allele origin: germline.
Comment: The ITGB6 c.140A>C variant is predicted to result in the amino acid substitution p.Glu47Ala. This variant impacts the penultimate nucleotide of exon 2 and is predicted to impact splicing at the nearby splice donor site (SpliceAI, Jaganathan et al. 2019. PubMed ID: 30661751). However, the use of computer prediction programs is not equivalent to functional evidence. To our knowledge, this variant has not been reported in the literature or in a large population database (gnomAD), indicating this variant is rare. At this time, the clinical significance of this variant is uncertain due to the absence of conclusive functional and genetic evidence.